The following is an entry in ClinVar:

ClinVar aggregate classification (germline): Likely benign. Review status: criteria provided, multiple submitters, no conflicts (2 of 4 stars). 2 submissions from 2 submitters: Likely benign (2). Last evaluated 2025-12-03.

Conditions:
Charcot-Marie-Tooth disease type 2B (CMT2B). Also called: CHARCOT-MARIE-TOOTH DISEASE, AUTOSOMAL DOMINANT, TYPE 2B; HEREDITARY MOTOR AND SENSORY NEUROPATHY IIB; CHARCOT-MARIE-TOOTH DISEASE, AXONAL, TYPE 2B; Charcot-Marie-Tooth Neuropathy Type 2B. Identifiers: Orphanet 99936, MedGen C1833219, MONDO:0010949, OMIM 600882.
RAB7A-related disorder. Also called: RAB7A-related condition.

Allele frequency attached by ClinVar (database versions not stated): gnomAD exomes below 0.00001; ExAC 0.00002; gnomAD 0.00005; ESP Exome Variant Server 0.00008; TOPMed 0.00008; 1000 Genomes Project 30x 0.00016; 1000 Genomes Project 0.00020.
gnomAD v4.1: 16 of 1,614,136 alleles (0.00099%); highest among the groups gnomAD compares: African/African-American, 0.019%; no homozygotes.

Submissions (2):

PreventionGenetics, part of Exact Sciences
Classification: Likely benign for RAB7A-related condition. Last evaluated: 2025-12-03. Review status: criteria provided, single submitter. Criteria: ACMG Guidelines, 2015. Collection method: clinical testing. Allele origin: germline.
Comment: This variant is classified as likely benign based on ACMG/AMP sequence variant interpretation guidelines (Richards et al. 2015 PMID: 25741868, with internal and published modifications).

Labcorp Genetics (formerly Invitae), Labcorp
Classification: Likely benign for Charcot-Marie-Tooth disease type 2B. Last evaluated: 2022-02-08. Review status: criteria provided, single submitter. Criteria: Invitae Variant Classification Sherloc (09022015). Collection method: clinical testing. Allele origin: germline.

NM_004637.6(RAB7A):c.300T>C (p.Asp100=)

Gene: RAB7A (RAB7A, member RAS oncogene family; plus strand). Cytogenetic location: 3q21.3.
Variant type: single nucleotide variant.
Coding change: c.300T>C on transcript NM_004637.6 (MANE Select); coding-DNA position 300, T replaced by C.
Protein change: p.Asp100=; no amino-acid change (aspartic acid 100 retained).
Molecular consequence: synonymous variant.
Genome position (GRCh38, 1-based): chr3:128,806,491, T>C. VCF-style: chr3-128806491-T-C. GRCh37 (hg19) VCF-style: chr3-128525334-T-C.
Identifiers: ClinVar variation 1982593 (VCV001982593.5), dbSNP rs138982701, ClinGen allele CA2600805.